The following is an entry in ClinVar:

ClinVar aggregate classification (germline): Conflicting classifications of pathogenicity. Review status: criteria provided, conflicting classifications (1 of 4 stars). 2 submissions from 2 submitters: Uncertain significance (1); Likely benign (1). Last evaluated 2026-01-30.

Conditions:
Tietz syndrome (TADS). Also called: ALBINISM-DEAFNESS OF TIETZ; TIETZ ALBINISM-DEAFNESS SYNDROME; HYPOPIGMENTATION/DEAFNESS OF TIETZ. Identifiers: Orphanet 42665, MedGen C0391816, MONDO:0007077, OMIM 103500.
Waardenburg syndrome type 2A (WS2A). Also called: WAARDENBURG SYNDROME WITHOUT DYSTOPIA CANTHORUM. Identifiers: Orphanet 3440, MedGen C1860339, MONDO:0008671, OMIM 193510.
Melanoma, cutaneous malignant, susceptibility to, 8. Also called: MELANOMA AND RENAL CELL CARCINOMA, SUSCEPTIBILITY TO; Cutaneous malignant melanoma 8. Identifiers: Orphanet 293822, MedGen C3152204, MONDO:0013759, OMIM 614456.

gnomAD v4.1: 25 of 1,613,822 alleles (0.0015%); highest among the groups gnomAD compares: Non-Finnish European, 0.0019%; no homozygotes.

Submissions (2):

Labcorp Genetics (formerly Invitae), Labcorp
Classification: Uncertain significance for Melanoma, cutaneous malignant, susceptibility to, 8; Waardenburg syndrome type 2A; Tietz syndrome. Last evaluated: 2026-01-30. Review status: criteria provided, single submitter. Criteria: Invitae Variant Classification Sherloc (09022015). Collection method: clinical testing. Allele origin: germline.
Comment: This sequence change falls in intron 8 of the MITF gene. It does not directly change the encoded amino acid sequence of the MITF protein. It affects a nucleotide within the consensus splice site. This variant is not present in population databases (gnomAD no frequency). This variant has not been reported in the literature in individuals affected with MITF-related conditions. ClinVar contains an entry for this variant (Variation ID: 255619). Variants that disrupt the consensus splice site are a relatively common cause of aberrant splicing (PMID: 17576681, 9536098). Algorithms developed to predict the effect of sequence changes on RNA splicing suggest that this variant is not likely to affect RNA splicing. In summary, the available evidence is currently insufficient to determine the role of this variant in disease. Therefore, it has been classified as a Variant of Uncertain Significance.

PreventionGenetics, part of Exact Sciences
Classification: Likely benign. Review status: criteria provided, single submitter. Criteria: ACMG Guidelines, 2015. Collection method: clinical testing. Allele origin: germline.

Literature cited by the submitters: PubMed 17576681 (cited by Labcorp Genetics (formerly Invitae), Labcorp); PubMed 9536098 (cited by Labcorp Genetics (formerly Invitae), Labcorp).

NM_001354604.2(MITF):c.1179+5G>A

Gene: MITF (melanocyte inducing transcription factor; plus strand). Cytogenetic location: 3p13.
Variant type: single nucleotide variant.
Coding change: c.1179+5G>A on transcript NM_001354604.2 (MANE Select); 5 bases into the intron after coding-DNA position 1179, G replaced by A.
Molecular consequence: intron variant.
Genome position (GRCh38, 1-based): chr3:69,959,425, G>A. VCF-style: chr3-69959425-G-A. GRCh37 (hg19) VCF-style: chr3-70008576-G-A.
Other names: c.1110+5G>A (NM_001354607.2); c.1005+5G>A (NM_001354608.2, NM_001184967.2); c.1161+5G>A (NM_198159.3); c.1176+5G>A (NM_001354605.2); c.1158+5G>A (NM_001354606.2, NM_006722.3); c.1113+5G>A (NM_198177.3); c.858+5G>A (NM_000248.4); c.840+5G>A (NM_198158.3); and 1 more.
Identifiers: ClinVar variation 255619 (VCV000255619.6), dbSNP rs554738793, ClinGen allele CA10586874.